The following is an entry in ClinVar:

NM_003331.5(TYK2):c.740C>A (p.Pro247Gln)

Gene: TYK2 (tyrosine kinase 2; minus strand). Cytogenetic location: 19p13.2.
Variant type: single nucleotide variant.
Coding change: c.740C>A on transcript NM_003331.5 (MANE Select); coding-DNA position 740, C replaced by A.
Protein change: p.Pro247Gln; replaces proline 247 with glutamine.
Molecular consequence: missense variant.
Genome position (GRCh38, 1-based): chr19:10,365,788, G>T on the plus strand (C>A on the coding strand, the complement: TYK2 is on the minus strand). VCF-style: chr19-10365788-G-T. GRCh37 (hg19) VCF-style: chr19-10476464-G-T.
Other names: c.740C>A, p.Pro247Gln (NM_001385197.1, NM_001385198.1, NM_001385199.1 and 8 more transcripts); c.650C>A, p.Pro217Gln (NM_001385205.1); short protein forms P217Q, P247Q.
Identifiers: ClinVar variation 1722256 (VCV001722256.5), dbSNP rs746989305, ClinGen allele CA404017210.

ClinVar aggregate classification (germline): Uncertain significance (1 of 4 stars; one submission).

Conditions:
Immunodeficiency 35 (IMD35). Also called: HIES WITH ATYPICAL MYCOBACTERIOSIS, AUTOSOMAL RECESSIVE; HYPER-IgE SYNDROME WITH ATYPICAL MYCOBACTERIOSIS, AUTOSOMAL RECESSIVE; Susceptibility to infection due to TYK2 deficiency; TYK2 DEFICIENCY. Identifiers: Orphanet 331226, MedGen C1969086, MONDO:0012682, OMIM 611521.

Submission:

Labcorp Genetics (formerly Invitae), Labcorp
Classification: Uncertain significance for Immunodeficiency 35. Last evaluated: 2022-07-21. Review status: criteria provided, single submitter. Criteria: Invitae Variant Classification Sherloc (09022015). Collection method: clinical testing. Allele origin: germline.
Comment: This sequence change replaces proline, which is neutral and non-polar, with glutamine, which is neutral and polar, at codon 247 of the TYK2 protein (p.Pro247Gln). This variant is not present in population databases (gnomAD no frequency). This variant has not been reported in the literature in individuals affected with TYK2-related conditions. Algorithms developed to predict the effect of missense changes on protein structure and function are either unavailable or do not agree on the potential impact of this missense change (SIFT: "Not Available"; PolyPhen-2: "Possibly Damaging"; Align-GVGD: "Not Available"). In summary, the available evidence is currently insufficient to determine the role of this variant in disease. Therefore, it has been classified as a Variant of Uncertain Significance.